The following is an entry in ClinVar:

ClinVar aggregate classification (germline): Uncertain significance (1 of 4 stars; one submission).

Conditions:
Propionic acidemia (PROP). Also called: GLYCINEMIA, KETOTIC; HYPERGLYCINEMIA WITH KETOACIDOSIS AND LEUKOPENIA; KETOTIC HYPERGLYCINEMIA. Identifiers: Orphanet 35, MedGen C0268579, MONDO:0011628, OMIM 606054, HP:0003571.

Allele frequency attached by ClinVar (database versions not stated): TOPMed below 0.00001.
gnomAD v4.1: 16 of 1,613,978 alleles (0.00099%); highest among the groups gnomAD compares: Middle Eastern, 0.033%; no homozygotes.

Submission:

Labcorp Genetics (formerly Invitae), Labcorp
Classification: Uncertain significance for Propionic acidemia. Last evaluated: 2022-01-17. Review status: criteria provided, single submitter. Criteria: Invitae Variant Classification Sherloc (09022015). Collection method: clinical testing. Allele origin: germline.
Comment: This sequence change replaces proline, which is neutral and non-polar, with threonine, which is neutral and polar, at codon 114 of the PCCA protein (p.Pro114Thr). This variant is present in population databases (no rsID available, gnomAD 0.002%). This variant has not been reported in the literature in individuals affected with PCCA-related conditions. Advanced modeling of protein sequence and biophysical properties (such as structural, functional, and spatial information, amino acid conservation, physicochemical variation, residue mobility, and thermodynamic stability) performed at Invitae indicates that this missense variant is expected to disrupt PCCA protein function. In summary, the available evidence is currently insufficient to determine the role of this variant in disease. Therefore, it has been classified as a Variant of Uncertain Significance.

NM_000282.4(PCCA):c.340C>A (p.Pro114Thr)

Gene: PCCA (propionyl-CoA carboxylase subunit alpha; plus strand). Cytogenetic location: 13q32.3.
Variant type: single nucleotide variant.
Coding change: c.340C>A on transcript NM_000282.4 (MANE Select); coding-DNA position 340, C replaced by A.
Protein change: p.Pro114Thr; replaces proline 114 with threonine.
Molecular consequence: missense variant. On other transcripts: 5 prime UTR variant (3), non-coding transcript variant (5).
Genome position (GRCh38, 1-based): chr13:100,155,018, C>A. VCF-style: chr13-100155018-C-A. GRCh37 (hg19) VCF-style: chr13-100807272-C-A.
Other names: c.262C>A, p.Pro88Thr (NM_001127692.3, NM_001352607.2, NM_001352608.2); c.340C>A, p.Pro114Thr (NM_001178004.2, NM_001352605.2, NM_001352606.2 and 1 more transcripts); c.-527C>A (NM_001352610.2, NM_001352611.2, NM_001352612.2); short protein forms P114T, P88T.
Identifiers: ClinVar variation 2198919 (VCV002198919.1), dbSNP rs1306789786, ClinGen allele CA388693635.